The following is an entry in ClinVar:

NM_014991.6(WDFY3):c.3053C>T (p.Pro1018Leu)

Gene: WDFY3 (WD repeat and FYVE domain containing 3; minus strand). Cytogenetic location: 4q21.23.
Variant type: single nucleotide variant.
Coding change: c.3053C>T on transcript NM_014991.6 (MANE Select); coding-DNA position 3053, C replaced by T.
Protein change: p.Pro1018Leu; replaces proline 1018 with leucine.
Molecular consequence: missense variant.
Genome position (GRCh38, 1-based): chr4:84,796,635, G>A on the plus strand (C>T on the coding strand, the complement: WDFY3 is on the minus strand). VCF-style: chr4-84796635-G-A. GRCh37 (hg19) VCF-style: chr4-85717788-G-A.
Other names: short protein forms P1018L.
Identifiers: ClinVar variation 4540148 (VCV004540148.1).

ClinVar aggregate classification (germline): Uncertain significance (1 of 4 stars; one submission).

gnomAD v4.1: 1 of 1,613,980 alleles (0.000062%); highest among the groups gnomAD compares: African/African-American, 0.0013%; no homozygotes.

Submission:

GeneDx
Classification: Uncertain significance. Last evaluated: 2025-06-23. Review status: criteria provided, single submitter. Criteria: GeneDx Variant Classification Process June 2021. Collection method: clinical testing. Allele origin: germline. Affected: yes.
Comment: Not observed at significant frequency in large population cohorts (gnomAD); In silico analysis supports that this missense variant has a deleterious effect on protein structure/function; Has not been previously published as pathogenic or benign to our knowledge